The following is an entry in ClinVar:

ClinVar aggregate classification (germline): Uncertain significance. Review status: criteria provided, multiple submitters, no conflicts (2 of 4 stars). 2 submissions from 2 submitters: Uncertain significance (2). Last evaluated 2023-08-02.

Conditions:
Cardiovascular phenotype. Identifiers: MedGen CN230736.
Hypertrophic cardiomyopathy. Also called: HYPERTROPHIC MYOCARDIOPATHY. Identifiers: Orphanet 217569, MedGen C0007194, MeSH D002312, MONDO:0005045, HP:0001639.

Submissions (2):

Labcorp Genetics (formerly Invitae), Labcorp
Classification: Uncertain significance for Hypertrophic cardiomyopathy. Last evaluated: 2023-08-02. Review status: criteria provided, single submitter. Criteria: Invitae Variant Classification Sherloc (09022015). Collection method: clinical testing. Allele origin: germline.
Comment: In summary, the available evidence is currently insufficient to determine the role of this variant in disease. Therefore, it has been classified as a Variant of Uncertain Significance. Advanced modeling of protein sequence and biophysical properties (such as structural, functional, and spatial information, amino acid conservation, physicochemical variation, residue mobility, and thermodynamic stability) performed at Invitae indicates that this missense variant is expected to disrupt MYH7 protein function. ClinVar contains an entry for this variant (Variation ID: 1745653). This variant has not been reported in the literature in individuals affected with MYH7-related conditions. This variant is not present in population databases (gnomAD no frequency). This sequence change replaces glutamine, which is neutral and polar, with lysine, which is basic and polar, at codon 172 of the MYH7 protein (p.Gln172Lys).

Ambry Genetics
Classification: Uncertain significance for Cardiovascular phenotype. Last evaluated: 2020-03-10. Review status: criteria provided, single submitter. Criteria: Ambry Variant Classification Scheme 2023. Collection method: clinical testing. Allele origin: germline.
Comment: The p.Q172K variant (also known as c.514C>A), located in coding exon 4 of the MYH7 gene, results from a C to A substitution at nucleotide position 514. The glutamine at codon 172 is replaced by lysine, an amino acid with similar properties. This amino acid position is highly conserved in available vertebrate species. In addition, this alteration is predicted to be deleterious by in silico analysis. Since supporting evidence is limited at this time, the clinical significance of this alteration remains unclear.

NM_000257.4(MYH7):c.514C>A (p.Gln172Lys)

Gene: MYH7 (myosin heavy chain 7; minus strand). Cytogenetic location: 14q11.2.
Variant type: single nucleotide variant.
Coding change: c.514C>A on transcript NM_000257.4 (MANE Select); coding-DNA position 514, C replaced by A.
Protein change: p.Gln172Lys; replaces glutamine 172 with lysine.
Molecular consequence: missense variant.
Genome position (GRCh38, 1-based): chr14:23,432,495, G>T on the plus strand (C>A on the coding strand, the complement: MYH7 is on the minus strand). VCF-style: chr14-23432495-G-T. GRCh37 (hg19) VCF-style: chr14-23901704-G-T.
Other names: c.514C>A, p.Gln172Lys (NM_001407004.1); short protein forms Q172K.
Identifiers: ClinVar variation 1745653 (VCV001745653.5), dbSNP rs2138683978, ClinGen allele CA389052650.